The following is an entry in ClinVar:

NM_020937.4(FANCM):c.1940A>G (p.Tyr647Cys)

Gene: FANCM (FA complementation group M; plus strand). Cytogenetic location: 14q21.2.
Variant type: single nucleotide variant.
Coding change: c.1940A>G on transcript NM_020937.4 (MANE Select); coding-DNA position 1940, A replaced by G.
Protein change: p.Tyr647Cys; replaces tyrosine 647 with cysteine.
Molecular consequence: missense variant.
Genome position (GRCh38, 1-based): chr14:45,167,101, A>G. VCF-style: chr14-45167101-A-G. GRCh37 (hg19) VCF-style: chr14-45636304-A-G.
Other names: c.1862A>G, p.Tyr621Cys (NM_001308133.2); c.1940A>G, p.Tyr647Cys (NM_001308134.2); short protein forms Y621C, Y647C.
Identifiers: ClinVar variation 3848685 (VCV003848685.1).
Genomic context (GRCh38, chr14:45,167,101, plus strand): 5'-GAATGGTTCCTGATGGAATCAACCCAAAATTACACAAAATGTTCATCACACATGGTGTCT[A>G]TGAACCAGAGAAGCCTTCTCGGAACTTGCAGCGAAAGTCATCTATCTTTTCCTATAGGGA-3'
Protein context (NP_065988.1, residues 637-657): LHKMFITHGV[Tyr647Cys]EPEKPSRNLQ

ClinVar aggregate classification (germline): Uncertain significance (1 of 4 stars; one submission).

Conditions:
Inborn genetic diseases. Identifiers: MedGen C0950123, MeSH D030342.

gnomAD v4.1: 2 of 1,613,890 alleles (0.00012%); highest among the groups gnomAD compares: South Asian, 0.0011%; no homozygotes.

Submission:

Ambry Genetics
Classification: Uncertain significance for Inborn genetic diseases. Last evaluated: 2025-02-02. Review status: criteria provided, single submitter. Criteria: Ambry Variant Classification Scheme 2023. Collection method: clinical testing. Allele origin: germline.
Comment: The p.Y647C variant (also known as c.1940A>G), located in coding exon 11 of the FANCM gene, results from an A to G substitution at nucleotide position 1940. The tyrosine at codon 647 is replaced by cysteine, an amino acid with highly dissimilar properties. This amino acid position is conserved. In addition, this alteration is predicted to be tolerated by in silico analysis. Based on the available evidence, the clinical significance of this variant remains unclear.